The following is an entry in ClinVar:

NM_198334.3(GANAB):c.204G>C (p.Gln68His)

Gene: GANAB (glucosidase II alpha subunit; minus strand). Cytogenetic location: 11q12.3.
Variant type: single nucleotide variant.
Coding change: c.204G>C on transcript NM_198334.3 (MANE Select); coding-DNA position 204, G replaced by C.
Protein change: p.Gln68His; replaces glutamine 68 with histidine.
Molecular consequence: missense variant. On other transcripts: 5 prime UTR variant (4), intron variant (3).
Genome position (GRCh38, 1-based): chr11:62,639,407, C>G on the plus strand (G>C on the coding strand, the complement: GANAB is on the minus strand). VCF-style: chr11-62639407-C-G. GRCh37 (hg19) VCF-style: chr11-62406879-C-G.
Other names: c.204G>C (NM_198335.2); c.-88G>C (NM_001329222.2, NM_001329223.2); c.-573G>C (NM_001329224.2, NM_001329225.2); c.204G>C, p.Gln68His (NM_198335.4); c.39-4407G>C (NM_001278193.2, NM_001278192.2); c.-40+220G>C (NM_001278194.2); short protein forms Q68H.
Identifiers: ClinVar variation 1966059 (VCV001966059.6), dbSNP rs775169956, ClinGen allele CA6051181.

ClinVar aggregate classification (germline): Uncertain significance. Review status: criteria provided, multiple submitters, no conflicts (2 of 4 stars). 2 submissions from 2 submitters: Uncertain significance (2). Last evaluated 2025-05-19.

Conditions:
Inborn genetic diseases. Identifiers: MedGen C0950123, MeSH D030342.

Allele frequency attached by ClinVar (database versions not stated): gnomAD exomes below 0.00001; ExAC 0.00001; gnomAD 0.00001; TOPMed 0.00002.
gnomAD v4.1: 2 of 1,613,538 alleles (0.00012%); highest among the groups gnomAD compares: Non-Finnish European, 0.00017%; no homozygotes.

Submissions (2):

Ambry Genetics
Classification: Uncertain significance for Inborn genetic diseases. Last evaluated: 2025-05-19. Review status: criteria provided, single submitter. Criteria: Ambry Variant Classification Scheme 2023. Collection method: clinical testing. Allele origin: germline.

Labcorp Genetics (formerly Invitae), Labcorp
Classification: Uncertain significance. Last evaluated: 2022-08-03. Review status: criteria provided, single submitter. Criteria: Invitae Variant Classification Sherloc (09022015). Collection method: clinical testing. Allele origin: germline.
Comment: In summary, the available evidence is currently insufficient to determine the role of this variant in disease. Therefore, it has been classified as a Variant of Uncertain Significance. This sequence change replaces glutamine, which is neutral and polar, with histidine, which is basic and polar, at codon 68 of the GANAB protein (p.Gln68His). This variant is present in population databases (rs775169956, gnomAD no frequency). This variant has not been reported in the literature in individuals affected with GANAB-related conditions. Advanced modeling of protein sequence and biophysical properties (such as structural, functional, and spatial information, amino acid conservation, physicochemical variation, residue mobility, and thermodynamic stability) performed at Invitae indicates that this missense variant is not expected to disrupt GANAB protein function.